The following is an entry in ClinVar:

NM_005585.5(SMAD6):c.679G>T (p.Gly227Cys)

Gene: SMAD6 (SMAD family member 6; plus strand). Cytogenetic location: 15q22.31.
Variant type: single nucleotide variant.
Coding change: c.679G>T on transcript NM_005585.5 (MANE Select); coding-DNA position 679, G replaced by T.
Protein change: p.Gly227Cys; replaces glycine 227 with cysteine.
Molecular consequence: missense variant. On other transcripts: non-coding transcript variant (1).
Genome position (GRCh38, 1-based): chr15:66,703,937, G>T. VCF-style: chr15-66703937-G-T. GRCh37 (hg19) VCF-style: chr15-66996275-G-T.
Other names: short protein forms G227C.
Identifiers: ClinVar variation 4170077 (VCV004170077.1).

ClinVar aggregate classification (germline): Uncertain significance (1 of 4 stars; one submission).

Conditions:
Inborn genetic diseases. Identifiers: MedGen C0950123, MeSH D030342.

Submission:

Ambry Genetics
Classification: Uncertain significance for Inborn genetic diseases. Last evaluated: 2025-08-12. Review status: criteria provided, single submitter. Criteria: Ambry Variant Classification Scheme 2023. Collection method: clinical testing. Allele origin: germline.
Comment: The p.G227C variant (also known as c.679G>T), located in coding exon 1 of the SMAD6 gene, results from a G to T substitution at nucleotide position 679. The glycine at codon 227 is replaced by cysteine, an amino acid with highly dissimilar properties. This amino acid position is conserved. In addition, this alteration is predicted to be tolerated by in silico analysis. Based on the available evidence, the clinical significance of this variant remains unclear.